The following is an entry in ClinVar:

ClinVar aggregate classification (germline): Pathogenic/Likely pathogenic. Review status: criteria provided, multiple submitters, no conflicts (2 of 4 stars). 3 submissions from 3 submitters: Pathogenic (2); Likely pathogenic (1). Last evaluated 2025-02-18.

Conditions:
Autosomal recessive nonsyndromic hearing loss 2. Also called: DEAFNESS, AUTOSOMAL RECESSIVE 2; NEUROSENSORY NONSYNDROMIC RECESSIVE DEAFNESS 2. Identifiers: Orphanet 90636, MedGen C1838701, MONDO:0010807, OMIM 600060.
Usher syndrome type 1 (USH1). Also called: RETINITIS PIGMENTOSA AND CONGENITAL DEAFNESS. Identifiers: Orphanet 231169, Orphanet 886, MedGen C1568247, MONDO:0010168, OMIM 276900.

Submissions (3):

Labcorp Genetics (formerly Invitae), Labcorp
Classification: Pathogenic. Last evaluated: 2025-02-18. Review status: criteria provided, single submitter. Criteria: Invitae Variant Classification Sherloc (09022015). Collection method: clinical testing. Allele origin: germline.
Comment: This sequence change creates a premature translational stop signal (p.Ser612*) in the MYO7A gene. It is expected to result in an absent or disrupted protein product. Loss-of-function variants in MYO7A are known to be pathogenic (PMID: 8900236, 25404053). This variant is not present in population databases (gnomAD no frequency). This variant has not been reported in the literature in individuals affected with MYO7A-related conditions. ClinVar contains an entry for this variant (Variation ID: 1434715). For these reasons, this variant has been classified as Pathogenic.

Institute of Medical Genetics and Applied Genomics, University Hospital Tübingen
Classification: Pathogenic for Usher syndrome type 1. Last evaluated: 2024-05-10. Review status: criteria provided, single submitter. Criteria: ACMG Guidelines, 2015. Collection method: clinical testing. Allele origin: germline. Inheritance: Autosomal recessive inheritance. Affected: yes.

Laboratory of Medical Genetics, National & Kapodistrian University of Athens
Classification: Likely pathogenic for Autosomal recessive nonsyndromic hearing loss 2. Last evaluated: 2024-02-01. Review status: criteria provided, single submitter. Criteria: ACMG Guidelines, 2015. Collection method: curation. Allele origin: germline. Affected: no.

Literature cited by the submitters: PubMed 8900236 (cited by Labcorp Genetics (formerly Invitae), Labcorp); PubMed 25404053 (cited by Labcorp Genetics (formerly Invitae), Labcorp).

NM_000260.4(MYO7A):c.1829_1832dup (p.Ser611_Ser612insTer)

Gene: MYO7A (myosin VIIA; plus strand). Cytogenetic location: 11q13.5.
Variant type: Duplication.
Coding change: c.1829_1832dup on transcript NM_000260.4 (MANE Select); coding-DNA positions 1829 to 1832, 4 bases duplicated (TTAG; older notation c.1829_1832dupTTAG).
Protein change: p.Ser611_Ser612insTer.
Molecular consequence: nonsense, inframe insertion.
Genome position (GRCh38, 1-based): chr11:77,172,779-77,172,782, TTAG duplicated. VCF-style (leftmost placement, unchanged base first): chr11-77172778-C-CTTAG. GRCh37 (hg19) VCF-style: chr11-76883824-C-CTTAG.
Other names: c.1829_1832dup, p.Ser611_Ser612insTer (NM_001127180.2); c.1796_1799dup, p.Ser600_Ser601insTer (NM_001369365.1).
Identifiers: ClinVar variation 1434715 (VCV001434715.8), dbSNP rs2135406725, ClinGen allele CA2573147692.
Genomic context (GRCh38, chr11:77,172,778, plus strand): 5'-CCCTCCCATCGCTGCCGTCCGTCCCCCCAGGGCGCCGAGACCAGGAAGCGCTCGCCCACA[C>CTTAG]TTAGCAGCCAGTTCAAGCGGTCACTGGAGCTGCTGATGCGCACGCTGGGTGCCTGCCAGC-3'